The following is an entry in ClinVar:

ClinVar aggregate classification (germline): Likely benign (0 of 4 stars; one submission).

Conditions:
PSMA6-related disorder. Also called: PSMA6-related condition.

Allele frequency attached by ClinVar (database versions not stated): gnomAD exomes 0.00021; ExAC 0.00086; ESP Exome Variant Server 0.00270; gnomAD 0.00270; TOPMed 0.00306; 1000 Genomes Project 30x 0.00390; 1000 Genomes Project 0.00399.
gnomAD v4.1: 720 of 1,572,524 alleles (0.046%); highest among the groups gnomAD compares: African/African-American, 0.88%; 3 homozygotes.

Submission:

PreventionGenetics, part of Exact Sciences
Classification: Likely benign for PSMA6-related condition. Last evaluated: 2019-03-22. Review status: no assertion criteria provided. Collection method: clinical testing. Allele origin: germline.
Comment: This variant is classified as likely benign based on ACMG/AMP sequence variant interpretation guidelines (Richards et al. 2015 PMID: 25741868, with internal and published modifications).

NM_002791.3(PSMA6):c.172-10T>G

Genes: PRORP-PSMA6 (PRORP-PSMA6 readthrough; plus strand), PSMA6 (proteasome 20S subunit alpha 6; plus strand). Cytogenetic location: 14q13.2.
Variant type: single nucleotide variant.
Coding change: c.172-10T>G on transcript NM_002791.3 (MANE Select); 10 bases into the intron before coding-DNA position 172, T replaced by G.
Molecular consequence: intron variant.
Genome position (GRCh38, 1-based): chr14:35,308,904, T>G. VCF-style: chr14-35308904-T-G. GRCh37 (hg19) VCF-style: chr14-35778110-T-G.
Other names: c.115-10T>G (NM_001282234.1); c.-66-10T>G (NM_001282232.1, NM_001282233.1).
Identifiers: ClinVar variation 3050747 (VCV003050747.2), dbSNP rs186794633, ClinGen allele CA7155104.
Genomic context (GRCh38, chr14:35,308,904, plus strand): 5'-ATTTTTTTTATAACTACACAGAAACCTGTATGTTTTTTAAAAAATTATCTTTGTTTATTT[T>G]GTTTATTAGGACAAATTATTGGATTCCAGCACAGTGACTCACTTATTCAAGATAACTGAA-3'